The following is an entry in ClinVar:

ClinVar aggregate classification (germline): Uncertain significance (1 of 4 stars; one submission).

Allele frequency attached by ClinVar (database versions not stated): gnomAD exomes below 0.00001 and 0.00001.
gnomAD v4.1: 1 of 1,299,262 alleles (0.000077%); highest among the groups gnomAD compares: Admixed American, 0.002%; no homozygotes.

Submission:

Labcorp Genetics (formerly Invitae), Labcorp
Classification: Uncertain significance. Last evaluated: 2022-11-08. Review status: criteria provided, single submitter. Criteria: Invitae Variant Classification Sherloc (09022015). Collection method: clinical testing. Allele origin: germline.
Comment: This variant has not been reported in the literature in individuals affected with CCDC88A-related conditions. In summary, the available evidence is currently insufficient to determine the role of this variant in disease. Therefore, it has been classified as a Variant of Uncertain Significance. Variants that disrupt the consensus splice site are a relatively common cause of aberrant splicing (PMID: 17576681, 9536098). Algorithms developed to predict the effect of sequence changes on RNA splicing suggest that this variant is not likely to affect RNA splicing. ClinVar contains an entry for this variant (Variation ID: 1436496). This variant is present in population databases (no rsID available, gnomAD 0.004%). This sequence change falls in intron 23 of the CCDC88A gene. It does not directly change the encoded amino acid sequence of the CCDC88A protein. It affects a nucleotide within the consensus splice site.

Literature cited by the submitters: PubMed 17576681; PubMed 9536098.

NM_001365480.1(CCDC88A):c.4080-3T>C

Gene: CCDC88A (coiled-coil and HOOK domain protein 88A; minus strand). Cytogenetic location: 2p16.1.
Variant type: single nucleotide variant.
Coding change: c.4080-3T>C on transcript NM_001365480.1 (MANE Select); 3 bases into the intron before coding-DNA position 4080, T replaced by C.
Molecular consequence: intron variant.
Genome position (GRCh38, 1-based): chr2:55,309,257, A>G on the plus strand (T>C on the coding strand, the complement: CCDC88A is on the minus strand). VCF-style: chr2-55309257-A-G. GRCh37 (hg19) VCF-style: chr2-55536393-A-G.
Other names: c.4077-3T>C (NM_001254943.2, NM_001135597.2); c.4080-3T>C (NM_018084.5).
Identifiers: ClinVar variation 1436496 (VCV001436496.6), dbSNP rs1323104510, ClinGen allele CA532783021.
Genomic context (GRCh38, chr2:55,309,257, plus strand): 5'-ATCCATAATTTTCTCTTCTAGTTTCTCCTTCTGACGTCTTAATTCATTTAACTTATCACT[A>G]TAAAATAAAAATTACCTTTTAGGACAGGCATCATATTTTGTACAGCTATGAATATTAAAT-3'